The following is an entry in ClinVar:

NM_144672.4(OTOA):c.1690G>T (p.Ala564Ser)

Gene: OTOA (otoancorin). Cytogenetic location: 16p12.2.
Variant type: single nucleotide variant.
Coding change: c.1690G>T on transcript NM_144672.4 (MANE Select); coding-DNA position 1690, G replaced by T.
Protein change: p.Ala564Ser; replaces alanine 564 with serine.
Molecular consequence: missense variant.
Genome position (GRCh38, 1-based): chr16:21,719,388, G>T. VCF-style: chr16-21719388-G-T. GRCh37 (hg19) VCF-style: chr16-21730709-G-T.
Other names: c.1453G>T, p.Ala485Ser (NM_001161683.2); c.718G>T, p.Ala240Ser (NM_170664.3); short protein forms A240S, A485S, A564S.
Identifiers: ClinVar variation 1807138 (VCV001807138.2), dbSNP rs1898656491, ClinGen allele CA395064572.
Genomic context (GRCh38, chr16:21,719,388, plus strand): 5'-CTTTCTTTCCTCTCCTCCTCACTTCCTTCCTCTCCCGAGTGCCTTGTTTTGTTTTCTAGT[G>T]CTGGGCAGCTGGTCAAAGGCGTGACCTGCTCACACATTGATGCCATGAGCACTGACTTCT-3'
Protein context (NP_653273.3, residues 554-574): TTRRPEELLS[Ala564Ser]GQLVKGVTCS

ClinVar aggregate classification (germline): Uncertain significance (1 of 4 stars; one submission).

Allele frequency attached by ClinVar (database versions not stated): TOPMed below 0.00001.

Submission:

Athena Diagnostics
Classification: Uncertain significance. Last evaluated: 2023-01-19. Review status: criteria provided, single submitter. Criteria: Athena Diagnostics Criteria. Collection method: clinical testing. Allele origin: unknown.
Comment: Available data are insufficient to determine the clinical significance of the variant at this time. This variant has not been reported in large, multi-ethnic general populations. Computational tools predict that this variant is not damaging.